The following is an entry in ClinVar:

ClinVar aggregate classification (germline): Uncertain significance (1 of 4 stars; one submission).

Conditions:
Hereditary spastic paraplegia 2 (SPG2). Also called: Spastic Paraplegia 2 (SPG2); SPASTIC PARAPLEGIA 2, X-LINKED. Identifiers: Orphanet 99015, MedGen C0751604, MONDO:0010733, OMIM 312920.

Submission:

Labcorp Genetics (formerly Invitae), Labcorp
Classification: Uncertain significance for Hereditary spastic paraplegia 2. Last evaluated: 2018-08-28. Review status: criteria provided, single submitter. Criteria: Invitae Variant Classification Sherloc (09022015). Collection method: clinical testing. Allele origin: germline.
Comment: Algorithms developed to predict the effect of sequence changes on RNA splicing suggest that this variant is not likely to affect RNA splicing, but this prediction has not been confirmed by published transcriptional studies. This variant has not been reported in the literature in individuals with PLP1-related disease. This variant is not present in population databases (ExAC no frequency). This sequence change affects codon 147 of the PLP1 mRNA. It is a 'silent' change, meaning that it does not change the encoded amino acid sequence of the PLP1 protein. A different variant affecting this nucleotide (c.441A>T) resulting in the same silent change (p.Gly147=) has been observed in an individual affected with Pelizaeus-Merzbacher disease (PMID: 28366443). It was also reported to be de novo in an individual affected with hypomyelination of early myelinating structures (HEMS) and experimentally shown to alter splicing of PLP1 mRNA (PMID: 26125040). This suggests that this nucleotide is important for normal RNA splicing, and that other variants at this position may also be pathogenic. In summary, the available evidence is currently insufficient to determine the role of this variant in disease. Therefore, it has been classified as a Variant of Uncertain Significance.

Literature cited by the submitters: PubMed 28366443; PubMed 26125040.

NM_000533.5(PLP1):c.441A>C (p.Gly147=)

Genes: RAB9B (RAB9B, member RAS oncogene family; minus strand), PLP1 (proteolipid protein 1; plus strand). Cytogenetic location: Xq22.2.
Variant type: single nucleotide variant.
Coding change: c.441A>C on transcript NM_000533.5 (MANE Select); coding-DNA position 441, A replaced by C.
Protein change: p.Gly147=; no amino-acid change (glycine 147 retained).
Molecular consequence: synonymous variant. On other transcripts: intron variant (1).
Genome position (GRCh38, 1-based): chrX:103,786,714, A>C. VCF-style: chrX-103786714-A-C. GRCh37 (hg19) VCF-style: chrX-103041643-A-C.
Other names: c.441A>C, p.Gly147= (NM_001128834.3); c.276A>C, p.Gly92= (NM_001305004.1); c.348+93A>C (NM_199478.3).
Identifiers: ClinVar variation 665125 (VCV000665125.8), dbSNP rs1602383021, ClinGen allele CA518092060.
Genomic context (GRCh38, chrX:103,786,714, plus strand): 5'-AGGCCAACATCAAGCTCATTCTTTGGAGCGGGTGTGTCATTGTTTGGGAAAATGGCTAGG[A>C]CATCCCGACAAGGTGATCATCCTCAGGATTTTGTGGCAATAACAAGGGGTGGGGGAAAAT-3'
Protein context (NP_000524.3, residues 137-157): RVCHCLGKWL[Gly147=]HPDKFVGITY